The following is an entry in ClinVar:

ClinVar aggregate classification (germline): Likely benign. Review status: criteria provided, multiple submitters, no conflicts (2 of 4 stars). 2 submissions from 2 submitters: Likely benign (2). Last evaluated 2026-04-22.

Conditions:
GALE-related disorder. Also called: GALE-related condition.
UDPglucose-4-epimerase deficiency. Also called: UDPglucose 4-Epimerase Deficiency Disease; Epimerase Deficiency Galactosemia; UDP-GALACTOSE-4-EPIMERASE DEFICIENCY; Galactose epimerase deficiency; GALACTOSEMIA III; GALE DEFICIENCY. Identifiers: Orphanet 352, Orphanet 79238, MedGen C0751161, MONDO:0009257, OMIM 230350.

Allele frequency attached by ClinVar (database versions not stated): gnomAD 0.00001; ExAC 0.00002.
gnomAD v4.1: 20 of 1,614,038 alleles (0.0012%); highest among the groups gnomAD compares: South Asian, 0.018%; no homozygotes.

Submissions (2):

PreventionGenetics, part of Exact Sciences
Classification: Likely benign for GALE-related condition. Last evaluated: 2026-04-22. Review status: criteria provided, single submitter. Criteria: ACMG Guidelines, 2015. Collection method: clinical testing. Allele origin: germline.
Comment: This variant is classified as likely benign based on ACMG/AMP sequence variant interpretation guidelines (Richards et al. 2015 PMID: 25741868, with internal and published modifications).

Labcorp Genetics (formerly Invitae), Labcorp
Classification: Likely benign for UDPglucose-4-epimerase deficiency. Last evaluated: 2023-12-04. Review status: criteria provided, single submitter. Criteria: Invitae Variant Classification Sherloc (09022015). Collection method: clinical testing. Allele origin: germline.

NM_001008216.2(GALE):c.477G>A (p.Lys159=)

Gene: GALE (UDP-galactose-4-epimerase; minus strand). Cytogenetic location: 1p36.11.
Variant type: single nucleotide variant.
Coding change: c.477G>A on transcript NM_001008216.2 (MANE Select); coding-DNA position 477, G replaced by A.
Protein change: p.Lys159=; no amino-acid change (lysine 159 retained).
Molecular consequence: synonymous variant.
Genome position (GRCh38, 1-based): chr1:23,797,746, C>T on the plus strand (G>A on the coding strand, the complement: GALE is on the minus strand). VCF-style: chr1-23797746-C-T. GRCh37 (hg19) VCF-style: chr1-24124236-C-T.
Other names: c.477G>A (NM_000403.3); c.477G>A, p.Lys159= (NM_000403.4, NM_001127621.2).
Identifiers: ClinVar variation 2911627 (VCV002911627.4), dbSNP rs775244681, ClinGen allele CA685659.